The following is an entry in ClinVar:

NM_001042492.3(NF1):c.2649A>G (p.Ser883=)

Gene: NF1 (neurofibromin 1; plus strand). Cytogenetic location: 17q11.2.
Variant type: single nucleotide variant.
Coding change: c.2649A>G on transcript NM_001042492.3 (MANE Select); coding-DNA position 2649, A replaced by G.
Protein change: p.Ser883=; no amino-acid change (serine 883 retained).
Molecular consequence: synonymous variant.
Genome position (GRCh38, 1-based): chr17:31,229,264, A>G. VCF-style: chr17-31229264-A-G. GRCh37 (hg19) VCF-style: chr17-29556282-A-G.
Other names: c.2649A>G, p.Ser883= (NM_000267.4).
Identifiers: ClinVar variation 1604225 (VCV001604225.11), dbSNP rs2067070240, ClinGen allele CA499444530.

ClinVar aggregate classification (germline): Benign/Likely benign. Review status: criteria provided, multiple submitters, no conflicts (2 of 4 stars). 3 submissions from 3 submitters: Benign (1); Likely benign (2). Last evaluated 2026-05-18.

Conditions:
Neurofibromatosis, type 1 (NF1). Also called: VON RECKLINGHAUSEN DISEASE; Neurofibromatosis, type I; NEUROFIBROMATOSIS, TYPE I, SOMATIC; Peripheral type neurofibromatosis. Identifiers: Orphanet 636, MedGen C0027831, MONDO:0018975, OMIM 162200. Disease mechanism: loss of function.
Hereditary cancer-predisposing syndrome. Also called: Neoplastic Syndromes, Hereditary; Tumor predisposition; Hereditary Cancer Syndrome; Hereditary neoplastic syndrome. Identifiers: Orphanet 140162, MedGen C0027672, MeSH D009386, MONDO:0015356.
Cardiovascular phenotype. Identifiers: MedGen CN230736.

Submissions (3):

Myriad Genetics, Inc.
Classification: Benign for Neurofibromatosis, type 1. Last evaluated: 2026-05-18. Review status: criteria provided, single submitter. Criteria: Myriad Autosomal Dominant, Autosomal Recessive and X-Linked Classification Criteria (2023). Collection method: clinical testing. Allele origin: unknown.
Comment: This variant is considered benign. This variant is a silent/synonymous amino acid change and it is not expected to impact splicing.

Labcorp Genetics (formerly Invitae), Labcorp
Classification: Likely benign for Neurofibromatosis, type 1. Last evaluated: 2025-03-27. Review status: criteria provided, single submitter. Criteria: Invitae Variant Classification Sherloc (09022015). Collection method: clinical testing. Allele origin: germline.

Ambry Genetics
Classification: Likely benign for Cardiovascular phenotype; Hereditary cancer-predisposing syndrome. Last evaluated: 2021-01-20. Review status: criteria provided, single submitter. Criteria: Ambry Variant Classification Scheme 2023. Collection method: clinical testing. Allele origin: germline.